The following is an entry in ClinVar:

NM_198880.3(QRICH1):c.136del (p.Gln46fs)

Gene: QRICH1 (glutamine rich 1; minus strand). Cytogenetic location: 3p21.31.
Variant type: Deletion.
Coding change: c.136del on transcript NM_198880.3 (MANE Select); coding-DNA position 136, one base deleted (C; older notation c.136delC).
Protein change: p.Gln46fs; shifts the reading frame from glutamine 46.
Molecular consequence: frameshift variant.
Genome position (GRCh38, 1-based): chr3:49,076,882, G deleted on the plus strand (C on the coding strand, the reverse complement: QRICH1 is on the minus strand); the first of 2 consecutive G bases (chr3:49,076,882-49,076,883); deleting either gives the same sequence. VCF-style (leftmost placement, unchanged base first): chr3-49076881-TG-T. GRCh37 (hg19) VCF-style: chr3-49114314-TG-T.
Other names: c.136del, p.Gln46fs (NM_001320580.2, NM_001320581.2, NM_001320582.2 and 4 more transcripts); short protein forms Q46fs.
Identifiers: ClinVar variation 1329909 (VCV001329909.2), dbSNP rs2106983258, ClinGen allele CA658653616.

ClinVar aggregate classification (germline): Pathogenic. Review status: criteria provided, multiple submitters, no conflicts (2 of 4 stars). 2 submissions from 2 submitters: Pathogenic (2). Last evaluated 2023-04-17.

Conditions:
Ververi-Brady syndrome. Identifiers: MedGen C4693824, MONDO:0979877, MONDO:0060707.

Submissions (2):

GeneDx
Classification: Pathogenic. Last evaluated: 2023-04-17. Review status: criteria provided, single submitter. Criteria: GeneDx Variant Classification Process June 2021. Collection method: clinical testing. Allele origin: germline. Affected: yes.
Comment: Frameshift variant predicted to result in protein truncation or nonsense mediated decay in a gene for which loss of function is a known mechanism of disease; Not observed at significant frequency in large population cohorts (gnomAD); This variant is associated with the following publications: (PMID: 28191890, 31785789, 34859529)

Institute of Human Genetics, University of Leipzig Medical Center
Classification: Pathogenic for Ververi-Brady syndrome 1. Last evaluated: 2021-12-21. Review status: criteria provided, single submitter. Criteria: ACMG Guidelines, 2015. Collection method: research. Allele origin: de novo. Affected: yes.

Literature cited by the submitters: PubMed 34859529 (cited by Institute of Human Genetics, University of Leipzig Medical Center).